The following is an entry in ClinVar:

ClinVar aggregate classification (germline): Pathogenic. Review status: criteria provided, multiple submitters, no conflicts (2 of 4 stars). 2 submissions from 2 submitters: Pathogenic (2). Last evaluated 2023-12-02.

Conditions:
Myoclonic dystonia 11 (DYT11). Also called: Myoclonic dystonia; Dystonia 11; Dystonia, alcohol responsive; Hereditary essential myoclonus; SGCE Myoclonus-Dystonia; Myoclonus-Dystonia. Identifiers: Orphanet 36899, MedGen C1834570, MONDO:0008044, OMIM 159900.

Submissions (2):

Labcorp Genetics (formerly Invitae), Labcorp
Classification: Pathogenic for Myoclonic dystonia 11. Last evaluated: 2023-12-02. Review status: criteria provided, single submitter. Criteria: Invitae Variant Classification Sherloc (09022015). Collection method: clinical testing. Allele origin: germline.
Comment: This sequence change creates a premature translational stop signal (p.Ile294Asnfs*4) in the SGCE gene. It is expected to result in an absent or disrupted protein product. Loss-of-function variants in SGCE are known to be pathogenic (PMID: 12821748, 15389977, 17853490, 24297365). This variant is not present in population databases (gnomAD no frequency). This variant has not been reported in the literature in individuals affected with SGCE-related conditions. ClinVar contains an entry for this variant (Variation ID: 586569). For these reasons, this variant has been classified as Pathogenic.

Athena Diagnostics
Classification: Pathogenic. Last evaluated: 2018-03-22. Review status: criteria provided, single submitter. Criteria: Athena Diagnostics Criteria. Collection method: clinical testing. Allele origin: germline.

Literature cited by the submitters: PubMed 12821748 (cited by Labcorp Genetics (formerly Invitae), Labcorp); PubMed 15389977 (cited by Labcorp Genetics (formerly Invitae), Labcorp); PubMed 17853490 (cited by Labcorp Genetics (formerly Invitae), Labcorp); PubMed 24297365 (cited by Labcorp Genetics (formerly Invitae), Labcorp).

NM_003919.3(SGCE):c.880dup (p.Ile294fs)

Genes: CASD1 (CAS1 domain sialic acid O acetyltransferase 1; plus strand), SGCE (sarcoglycan epsilon; minus strand). Cytogenetic location: 7q21.3.
Variant type: Duplication.
Coding change: c.880dup on transcript NM_003919.3 (MANE Select); coding-DNA position 880, one base duplicated (A; older notation c.880dupA).
Protein change: p.Ile294fs; shifts the reading frame from isoleucine 294.
Molecular consequence: frameshift variant.
Genome position (GRCh38, 1-based): chr7:94,600,803, T duplicated on the plus strand (A on the coding strand, the reverse complement: SGCE is on the minus strand). VCF-style (leftmost placement, unchanged base first): chr7-94600802-A-AT. GRCh37 (hg19) VCF-style: chr7-94230114-A-AT.
Other names: c.880dup, p.Ile294fs (NM_001099400.2, NM_001099401.2, NM_001346717.2); c.757dup, p.Ile253fs (NM_001301139.2, NM_001362809.2); c.988dup, p.Ile330fs (NM_001346713.2, NM_001346715.2); c.793dup, p.Ile265fs (NM_001346719.2, NM_001362807.2); c.607dup, p.Ile203fs (NM_001346720.2, NM_001362808.2); short protein forms I265fs, I203fs, I294fs, I330fs, I253fs.
Identifiers: ClinVar variation 586569 (VCV000586569.4), dbSNP rs1562805960, ClinGen allele CA456492257.